The following is an entry in ClinVar:

NM_006393.3(NEBL):c.2141T>C (p.Ile714Thr)

Genes: NEBL (nebulette; minus strand), LOC126860875 (MED14-independent group 3 enhancer GRCh37_chr10:21105746-21106945; plus strand). Cytogenetic location: 10p12.31.
Variant type: single nucleotide variant.
Coding change: c.2141T>C on transcript NM_006393.3 (MANE Select); coding-DNA position 2141, T replaced by C.
Protein change: p.Ile714Thr; replaces isoleucine 714 with threonine.
Molecular consequence: missense variant. On other transcripts: intron variant (9).
Genome position (GRCh38, 1-based): chr10:20,817,607, A>G on the plus strand (T>C on the coding strand, the complement: NEBL is on the minus strand). VCF-style: chr10-20817607-A-G. GRCh37 (hg19) VCF-style: chr10-21106536-A-G.
Other names: c.250-4667T>C (NM_001377326.1, NM_001377327.1, NM_001377328.1); c.358-4667T>C (NM_213569.2, NM_001173484.2, NM_001377322.1); c.301-4667T>C (NM_001377324.1); c.292-4667T>C (NM_001377325.1); c.310-4667T>C (NM_001377323.1); short protein forms I714T.
Identifiers: ClinVar variation 3878621 (VCV003878621.1).

ClinVar aggregate classification (germline): Uncertain significance (1 of 4 stars; one submission).

gnomAD v4.1: 2 of 1,611,346 alleles (0.00012%); highest among the groups gnomAD compares: Non-Finnish European, 0.00017%; no homozygotes.

Submission:

Ambry Genetics
Classification: Uncertain significance. Last evaluated: 2025-02-09. Review status: criteria provided, single submitter. Criteria: Ambry Variant Classification Scheme 2023. Collection method: clinical testing. Allele origin: germline.
Comment: The p.I714T variant (also known as c.2141T>C), located in coding exon 21 of the NEBL gene, results from a T to C substitution at nucleotide position 2141. The isoleucine at codon 714 is replaced by threonine, an amino acid with similar properties. This amino acid position is conserved. In addition, this alteration is predicted to be tolerated by in silico analysis. Based on the available evidence, the clinical significance of this variant remains unclear.